The following is an entry in ClinVar:

ClinVar aggregate classification (germline): Likely benign. Review status: criteria provided, multiple submitters, no conflicts (2 of 4 stars). 2 submissions from 2 submitters: Likely benign (2). Last evaluated 2024-05-31.

Allele frequency attached by ClinVar (database versions not stated): gnomAD exomes below 0.00001; gnomAD 0.00001; TOPMed 0.00001.
gnomAD v4.1: 1 of 1,581,720 alleles (0.000063%); highest among the groups gnomAD compares: African/African-American, 0.0014%; no homozygotes.

Submissions (2):

Labcorp Genetics (formerly Invitae), Labcorp
Classification: Likely benign. Last evaluated: 2024-05-31. Review status: criteria provided, single submitter. Criteria: Invitae Variant Classification Sherloc (09022015). Collection method: clinical testing. Allele origin: germline.

GeneDx
Classification: Likely benign. Last evaluated: 2016-08-17. Review status: criteria provided, single submitter. Criteria: GeneDx Variant Classification (06012015). Collection method: clinical testing. Allele origin: germline. Affected: yes.
Comment: This variant is considered likely benign or benign based on one or more of the following criteria: it is a conservative change, it occurs at a poorly conserved position in the protein, it is predicted to be benign by multiple in silico algorithms, and/or has population frequency not consistent with disease.

NM_003073.5(SMARCB1):c.1119-13A>G

Gene: SMARCB1 (SWI/SNF related BAF chromatin remodeling complex subunit B1; plus strand). Cytogenetic location: 22q11.23.
Variant type: single nucleotide variant.
Coding change: c.1119-13A>G on transcript NM_003073.5 (MANE Select); 13 bases into the intron before coding-DNA position 1119, A replaced by G.
Molecular consequence: intron variant.
Genome position (GRCh38, 1-based): chr22:23,834,128, A>G. VCF-style: chr22-23834128-A-G. GRCh37 (hg19) VCF-style: chr22-24176315-A-G.
Other names: c.1119-13A>G (LRG_520t1); c.1173-13A>G (NM_001362877.2); c.1146-13A>G (NM_001317946.2); c.1092-13A>G (NM_001007468.3).
Identifiers: ClinVar variation 388708 (VCV000388708.8), dbSNP rs1057523208, ClinGen allele CA16608625.
Genomic context (GRCh38, chr22:23,834,128, plus strand): 5'-TAGAGCCTTGGGAAGGGCAGCGCCCAGGCTGGGAGCTGGCCCCGACTCATTGCCCTCCCC[A>G]CTCCTCTTCCAGGCGGATGAGGCGTCTTGCCAACACGGCCCCGGCCTGGTAACCAGCCCA-3'